The following is an entry in ClinVar:

NM_016373.4(WWOX):c.7G>T (p.Ala3Ser)

Gene: WWOX (WW domain containing oxidoreductase; plus strand). Cytogenetic location: 16q23.1.
Variant type: single nucleotide variant.
Coding change: c.7G>T on transcript NM_016373.4 (MANE Select); coding-DNA position 7, G replaced by T.
Protein change: p.Ala3Ser; replaces alanine 3 with serine.
Molecular consequence: missense variant. On other transcripts: 5 prime UTR variant (1), non-coding transcript variant (2).
Genome position (GRCh38, 1-based): chr16:78,099,785, G>T. VCF-style: chr16-78099785-G-T. GRCh37 (hg19) VCF-style: chr16-78133682-G-T.
Other names: c.-268G>T (NM_001291997.2); c.7G>T, p.Ala3Ser (NM_130791.5); c.7G>T (NM_016373.2); short protein forms A3S.
Identifiers: ClinVar variation 858524 (VCV000858524.10), dbSNP rs1336300148, ClinGen allele CA396841738.

ClinVar aggregate classification (germline): Uncertain significance. Review status: criteria provided, multiple submitters, no conflicts (2 of 4 stars). 2 submissions from 2 submitters: Uncertain significance (2). Last evaluated 2024-10-22.

Conditions:
Autosomal recessive spinocerebellar ataxia 12. Also called: SPINOCEREBELLAR ATAXIA WITH MENTAL RETARDATION AND EPILEPSY. Identifiers: Orphanet 284282, MedGen C3280452, MONDO:0013687, OMIM 614322.
Developmental and epileptic encephalopathy, 1 (DEE1). Also called: X-linked infantile spasms; West's syndrome; Tonic spasms with clustering, arrest of psychomotor development and hypsarrhythmia on EEG; X-Linked Infantile Spasm Syndrome; OHTAHARA SYNDROME, X-LINKED; INFANTILE SPASM SYNDROME, X-LINKED 1. Identifiers: MedGen C3463992, MONDO:0010632, OMIM 308350. Disease mechanism: loss of function.
Inborn genetic diseases. Identifiers: MedGen C0950123, MeSH D030342.

Allele frequency attached by ClinVar (database versions not stated): gnomAD exomes below 0.00001.

Submissions (2):

Labcorp Genetics (formerly Invitae), Labcorp
Classification: Uncertain significance for Developmental and epileptic encephalopathy, 1; Autosomal recessive spinocerebellar ataxia 12. Last evaluated: 2024-10-22. Review status: criteria provided, single submitter. Criteria: Invitae Variant Classification Sherloc (09022015). Collection method: clinical testing. Allele origin: germline.
Comment: This sequence change replaces alanine, which is neutral and non-polar, with serine, which is neutral and polar, at codon 3 of the WWOX protein (p.Ala3Ser). The frequency data for this variant in the population databases is considered unreliable, as metrics indicate poor data quality at this position in the gnomAD database. This variant has not been reported in the literature in individuals affected with WWOX-related conditions. ClinVar contains an entry for this variant (Variation ID: 858524). An algorithm developed to predict the effect of missense changes on protein structure and function (PolyPhen-2) suggests that this variant is likely to be tolerated. In summary, the available evidence is currently insufficient to determine the role of this variant in disease. Therefore, it has been classified as a Variant of Uncertain Significance.

Ambry Genetics
Classification: Uncertain significance for Inborn genetic diseases. Last evaluated: 2024-03-07. Review status: criteria provided, single submitter. Criteria: Ambry Variant Classification Scheme 2023. Collection method: clinical testing. Allele origin: germline.